The following is an entry in ClinVar:

ClinVar aggregate classification (germline): Likely pathogenic (1 of 4 stars; one submission).

Submission:

Labcorp Genetics (formerly Invitae), Labcorp
Classification: Likely pathogenic. Last evaluated: 2017-12-06. Review status: criteria provided, single submitter. Criteria: Invitae Variant Classification Sherloc (09022015). Collection method: clinical testing. Allele origin: germline.
Comment: This variant is a gross duplication of the genomic region encompassing exons 2-3 of the GTPBP3 gene. While the exact position of the duplicated exons cannot be determined from this data, sub-genic duplications are generally in tandem (PMID: 25640679) and may result in an absent or disrupted protein product. This variant has not been reported in the literature in individuals with GTPBP3-related disease. Loss-of-function variants in GTPBP3 are known to be pathogenic (PMID: 25434004). In summary, the currently available evidence indicates that the variant is pathogenic, but additional data are needed to prove that conclusively. Therefore, this variant has been classified as Likely Pathogenic.

Literature cited by the submitters: PubMed 25640679; PubMed 25434004.

NC_000019.9:g.(?_17448817)_(17449260_?)dup

Gene: GTPBP3 (GTP binding protein 3, mitochondrial; plus strand). Cytogenetic location: 19p13.11.
Variant type: Duplication.
Identifiers: ClinVar variation 1066826 (VCV001066826.7).